The following is an entry in ClinVar:

ClinVar aggregate classification (germline): Likely benign (1 of 4 stars; one submission).

Conditions:
Familial cancer of breast. Also called: BREAST CANCER, FAMILIAL; Hereditary breast cancer; hereditary breast carcinoma. Identifiers: Orphanet 227535, MedGen C0346153, MONDO:0016419, OMIM 114480. Disease mechanism: loss of function.

Submission:

Myriad Genetics, Inc.
Classification: Likely benign for Familial cancer of breast. Last evaluated: 2024-04-17. Review status: criteria provided, single submitter. Criteria: Myriad Autosomal Dominant, Autosomal Recessive and X-Linked Classification Criteria (2023). Collection method: clinical testing. Allele origin: unknown.
Comment: This variant is considered likely benign. This variant is intronic and is not expected to impact mRNA splicing.

NM_000051.4(ATM):c.72+8dup

Gene: ATM (ATM serine/threonine kinase; plus strand). Cytogenetic location: 11q22.3.
Variant type: Duplication.
Coding change: c.72+8dup on transcript NM_000051.4 (MANE Select); 8 bases into the intron after coding-DNA position 72, one base duplicated (A; older notation c.72+8dupA).
Molecular consequence: intron variant.
Genome position (GRCh38, 1-based): chr11:108,227,704, A duplicated; the last of 3 consecutive A bases (chr11:108,227,702-108,227,704); duplicating any one gives the same sequence. VCF-style (leftmost placement, unchanged base first): chr11-108227701-T-TA. GRCh37 (hg19) VCF-style: chr11-108098428-T-TA.
Other names: c.72+8dup (NM_001351834.2, NM_001351835.2, NM_001351836.2).
Identifiers: ClinVar variation 3254351 (VCV003254351.1), dbSNP rs2078812052.